The following is an entry in ClinVar:

ClinVar aggregate classification (germline): Uncertain significance (1 of 4 stars; one submission).

Conditions:
Diffuse cerebral and cerebellar atrophy - intractable seizures - progressive microcephaly syndrome. Also called: Microcephaly, progressive, with seizures and cerebral and cerebellar atrophy. Identifiers: Orphanet 404437, MedGen C4014239, MONDO:0014335, OMIM 615760.

Allele frequency attached by ClinVar (database versions not stated): gnomAD exomes below 0.00001; ExAC 0.00002; gnomAD 0.00002; TOPMed 0.00002; ESP Exome Variant Server 0.00015.

Submission:

Labcorp Genetics (formerly Invitae), Labcorp
Classification: Uncertain significance for Diffuse cerebral and cerebellar atrophy - intractable seizures - progressive microcephaly syndrome. Last evaluated: 2022-04-23. Review status: criteria provided, single submitter. Criteria: Invitae Variant Classification Sherloc (09022015). Collection method: clinical testing. Allele origin: germline.
Comment: This sequence change replaces phenylalanine, which is neutral and non-polar, with leucine, which is neutral and non-polar, at codon 107 of the QARS protein (p.Phe107Leu). This variant is present in population databases (rs142704391, gnomAD 0.02%). This variant has not been reported in the literature in individuals affected with QARS-related conditions. Algorithms developed to predict the effect of missense changes on protein structure and function are either unavailable or do not agree on the potential impact of this missense change (SIFT: "Tolerated"; PolyPhen-2: "Possibly Damaging"; Align-GVGD: "Class C0"). In summary, the available evidence is currently insufficient to determine the role of this variant in disease. Therefore, it has been classified as a Variant of Uncertain Significance.

NM_005051.3(QARS1):c.319T>C (p.Phe107Leu)

Gene: QARS1 (glutaminyl-tRNA synthetase 1; minus strand). Cytogenetic location: 3p21.31.
Variant type: single nucleotide variant.
Coding change: c.319T>C on transcript NM_005051.3 (MANE Select); coding-DNA position 319, T replaced by C.
Protein change: p.Phe107Leu; replaces phenylalanine 107 with leucine.
Molecular consequence: missense variant. On other transcripts: non-coding transcript variant (1).
Genome position (GRCh38, 1-based): chr3:49,103,919, A>G on the plus strand (T>C on the coding strand, the complement: QARS1 is on the minus strand). VCF-style: chr3-49103919-A-G. GRCh37 (hg19) VCF-style: chr3-49141352-A-G.
Other names: c.286T>C, p.Phe96Leu (NM_001272073.2); short protein forms F107L, F96L.
Identifiers: ClinVar variation 2157512 (VCV002157512.1), dbSNP rs142704391, ClinGen allele CA2392216.